The following is an entry in ClinVar:

ClinVar aggregate classification (germline): Pathogenic (1 of 4 stars; one submission).

Conditions:
Sulfite oxidase deficiency due to molybdenum cofactor deficiency type C. Also called: Molybdenum cofactor deficiency, complementation group C; Molybdenum cofactor deficiency C. Identifiers: Orphanet 308400, Orphanet 833, MedGen C1854990, MONDO:0014212, OMIM 615501.

Submission:

Labcorp Genetics (formerly Invitae), Labcorp
Classification: Pathogenic for Sulfite oxidase deficiency due to molybdenum cofactor deficiency type C. Last evaluated: 2022-10-03. Review status: criteria provided, single submitter. Criteria: Invitae Variant Classification Sherloc (09022015). Collection method: clinical testing. Allele origin: germline.
Comment: This sequence change creates a premature translational stop signal (p.Ser250Valfs*107) in the GPHN gene. It is expected to result in an absent or disrupted protein product. Loss-of-function variants in GPHN are known to be pathogenic (PMID: 11095995, 23184456, 23393157). This variant is not present in population databases (gnomAD no frequency). This variant has not been reported in the literature in individuals affected with GPHN-related conditions. For these reasons, this variant has been classified as Pathogenic.

Literature cited by the submitters: PubMed 11095995; PubMed 23184456; PubMed 23393157.

NM_020806.5(GPHN):c.747del (p.Ser250fs)

Gene: GPHN (gephyrin; plus strand). Cytogenetic location: 14q23.3.
Variant type: Deletion.
Coding change: c.747del on transcript NM_020806.5 (MANE Select); coding-DNA position 747, one base deleted (C; older notation c.747delC).
Protein change: p.Ser250fs; shifts the reading frame from serine 250.
Molecular consequence: frameshift variant. On other transcripts: intron variant (7).
Genome position (GRCh38, 1-based): chr14:66,924,211, C deleted; the last of 2 consecutive C bases (chr14:66,924,210-66,924,211); deleting either gives the same sequence. VCF-style (leftmost placement, unchanged base first): chr14-66924209-AC-A. GRCh37 (hg19) VCF-style: chr14-67390926-AC-A.
Other names: c.768+1273del (NM_001377514.1, NM_001377519.1); c.729+1273del (NM_001377515.1, NM_001377516.1, NM_001377518.1 and 2 more transcripts); short protein forms S250fs.
Identifiers: ClinVar variation 2033928 (VCV002033928.4), dbSNP rs2549619648, ClinGen allele CA2580088566.